The following is an entry in ClinVar:

NM_007055.4(POLR3A):c.1682G>A (p.Arg561Gln)

Gene: POLR3A (RNA polymerase III subunit A; minus strand). Cytogenetic location: 10q22.3.
Variant type: single nucleotide variant.
Coding change: c.1682G>A on transcript NM_007055.4 (MANE Select); coding-DNA position 1682, G replaced by A.
Protein change: p.Arg561Gln; replaces arginine 561 with glutamine.
Molecular consequence: missense variant.
Genome position (GRCh38, 1-based): chr10:78,009,952, C>T on the plus strand (G>A on the coding strand, the complement: POLR3A is on the minus strand). VCF-style: chr10-78009952-C-T. GRCh37 (hg19) VCF-style: chr10-79769710-C-T.
Other names: NM_007055.4(POLR3A):c.1682G>A; p.Arg561Gln; short protein forms R561Q.
Identifiers: ClinVar variation 546257 (VCV000546257.4), dbSNP rs753456807, ClinGen allele CA5571360.

ClinVar aggregate classification (germline): Uncertain significance. Review status: criteria provided, multiple submitters, no conflicts (2 of 4 stars). 2 submissions from 2 submitters: Uncertain significance (2). Last evaluated 2024-01-24.

Conditions:
Leukodystrophy, hypomyelinating, 7, with or without oligodontia and/or hypogonadotropic hypogonadism (HLD7). Also called: LEUKOENCEPHALOPATHY, HYPOMYELINATING, WITH ATAXIA AND DELAYED DENTITION; ATAXIA, DELAYED DENTITION, AND HYPOMYELINATION; LEUKODYSTROPHY, HYPOMYELINATING, 7, WITH OLIGODONTIA; LEUKODYSTROPHY, HYPOMYELINATING, 7, WITH OLIGODONTIA AND HYPOGONADOTROPIC HYPOGONADISM; LEUKODYSTROPHY, HYPOMYELINATING, 7, WITHOUT OLIGODONTIA OR HYPOGONADOTROPIC HYPOGONADISM; Ataxia, Delayed Dentition and Hypomyelination (ADDH). Identifiers: Orphanet 137639, Orphanet 447893, Orphanet 447896, Orphanet 77295, Orphanet 88637, MedGen CN034185, MONDO:0011897, OMIM 607694.

Allele frequency attached by ClinVar (database versions not stated): gnomAD exomes 0.00001; TOPMed 0.00001; ExAC 0.00002.
gnomAD v4.1: 10 of 1,614,010 alleles (0.00062%); highest among the groups gnomAD compares: South Asian, 0.0033%; no homozygotes.

Submissions (2):

Broad Center for Mendelian Genomics, Broad Institute of MIT and Harvard
Classification: Uncertain significance for Leukodystrophy, hypomyelinating, 7, with or without oligodontia and/or hypogonadotropic hypogonadism. Last evaluated: 2024-01-24. Review status: criteria provided, single submitter. Criteria: ACMG Guidelines, 2015. Collection method: curation. Allele origin: germline. Inheritance: Autosomal recessive inheritance.
Comment: The p.Arg561Gln variant in POLR3A has been reported in 1 individual, in the compound heterozygous state, with POLR3A-related disorders (PMID: 30847471), and has been identified in 0.007% (3/30612) of South Asian chromosomes by the Genome Aggregation Database (gnomAD; dbSNP ID: rs753456807). Although this variant has been seen in the general population in a heterozygous state, its frequency is low enough to be consistent with a recessive carrier frequency. This variant has also been reported in ClinVar (Variation ID#: 546257) and has been interpreted as a variant of uncertain significance by GeneDx. Computational prediction tools and conservation analyses do not provide strong support for or against an impact to the protein. In summary, the clinical significance of the p.Arg561Gln variant is uncertain. ACMG/AMP Criteria applied: PM2_supporting, PM3 (Richards 2015).

GeneDx
Classification: Uncertain significance. Last evaluated: 2020-09-17. Review status: criteria provided, single submitter. Criteria: GeneDx Variant Classification Process June 2021. Collection method: clinical testing. Allele origin: germline. Affected: yes.
Comment: Not observed at a significant frequency in large population cohorts (Lek et al., 2016); In silico analysis supports that this missense variant does not alter protein structure/function; This variant is associated with the following publications: (PMID: 30847471)